The following is an entry in ClinVar:

ClinVar aggregate classification (germline): Likely pathogenic (1 of 4 stars; one submission).

Conditions:
Acute myeloid leukemia (AML). Also called: Acute myeloid leukemia, adult; AML adult; Acute non-lymphocytic leukemia; Acute granulocytic leukemia; Leukemia, acute myeloid, somatic; Leukemia, acute myelogenous, somatic. Identifiers: Orphanet 519, MedGen C0023467, MeSH D015470, MONDO:0018874, OMIM 601626, HP:0004808. Disease mechanism: Constitutively activated FLT3.

Allele frequency attached by ClinVar (database versions not stated): ExAC 0.00002; gnomAD 0.00001; TOPMed 0.00001; gnomAD exomes 0.00002.
gnomAD v4.1: 6 of 1,613,986 alleles (0.00037%); highest among the groups gnomAD compares: East Asian, 0.0089%; no homozygotes.

Submission:

Zero Childhood Cancer Program, Children's Cancer Institute
Classification: Likely pathogenic for Acute myeloid leukemia. Last evaluated: 2025-10-19. Review status: criteria provided, single submitter. Criteria: Zero Childhood Cancer Program Assertion Criteria November2025. Collection method: research. Allele origin: germline. Inheritance: Autosomal dominant inheritance. Affected: yes.
Comment: The c.1715A>G (p.Tyr572Cys) missense variant is located in exon 14 of 24 of FLT3. This variant is rare in gnomAD v4 (frequency = 0.000003) (PM2_Supporting) and resides within a mutational hotspot of the juxtamembrane functional domain (PM1_Moderate). Multiple lines of computational evidence support an altered effect on the gene or gene product (PP3_Supporting). Published functional studies on murine hematopoietic BaF3 cells have demonstrated that this variant induces constitutive kinase activation of FLT3 (PS3_Moderate; PMID: 18068628, 30651561, 40196870). For these reasons, this variant has been classified as likely pathogenic.

Literature cited by the submitters: PubMed 18068628; PubMed 30651561; PubMed 40196870.

NM_004119.3(FLT3):c.1715A>G (p.Tyr572Cys)

Gene: FLT3 (fms related receptor tyrosine kinase 3; minus strand). Cytogenetic location: 13q12.2.
Variant type: single nucleotide variant.
Coding change: c.1715A>G on transcript NM_004119.3 (MANE Select); coding-DNA position 1715, A replaced by G.
Protein change: p.Tyr572Cys; replaces tyrosine 572 with cysteine.
Molecular consequence: missense variant. On other transcripts: non-coding transcript variant (1).
Genome position (GRCh38, 1-based): chr13:28,034,204, T>C on the plus strand (A>G on the coding strand, the complement: FLT3 is on the minus strand). VCF-style: chr13-28034204-T-C. GRCh37 (hg19) VCF-style: chr13-28608341-T-C.
Other names: short protein forms Y572C.
Identifiers: ClinVar variation 4528371 (VCV004528371.1), dbSNP rs121913491.
Genomic context (GRCh38, chr13:28,034,204, plus strand): 5'-ACGTAGAAGTACTCATTATCTGAGGAGCCGGTCACCTGTACCATCTGTAGCTGGCTTTCA[T>C]ACCTAAATTGCTTCAGAGATGAAATGATGAGTCAGTTAGGAATAGGCAGTTCTGCAGATA-3'
Protein context (NP_004110.2, residues 562-582): ICHKYKKQFR[Tyr572Cys]ESQLQMVQVT